The following is an entry in ClinVar:

ClinVar aggregate classification (germline): Pathogenic/Likely pathogenic. Review status: criteria provided, multiple submitters, no conflicts (2 of 4 stars). 2 submissions from 2 submitters: Pathogenic (1); Likely pathogenic (1). Last evaluated 2023-09-27.

Conditions:
Finnish congenital nephrotic syndrome (NPHS1). Also called: NEPHROTIC SYNDROME, TYPE 1. Identifiers: Orphanet 839, MedGen C0403399, MONDO:0009732, OMIM 256300.

Submissions (2):

Myriad Genetics, Inc.
Classification: Pathogenic for Finnish congenital nephrotic syndrome. Last evaluated: 2023-09-27. Review status: criteria provided, single submitter. Criteria: Myriad Autosomal Dominant, Autosomal Recessive and X-Linked Classification Criteria (2023). Collection method: clinical testing. Allele origin: unknown.
Comment: NM_004646.3(NPHS1):c.889dupG(V297Gfs*45) is expected to be pathogenic in the context of nephrotic syndrome, NPHS1-related. This variant is predicted to lead to an abnormal or absent protein product due to the creation of a premature termination codon in NPHS1, a gene where loss-of-function variants are known to be pathogenic. Please note: this variant was assessed in the context of healthy population screening.

Juno Genomics, Hangzhou Juno Genomics, Inc
Classification: Likely pathogenic for Finnish congenital nephrotic syndrome. Review status: criteria provided, single submitter. Criteria: ACMG Guidelines, 2015. Collection method: clinical testing. Allele origin: germline.
Comment: Null variant in a gene where loss of function (LOF) is a known mechanism of disease.;Absent from controls (or at extremely low frequency if recessive) in Genome Aggregation Database.

NM_004646.4(NPHS1):c.889dup (p.Val297fs)

Gene: NPHS1 (NPHS1 adhesion molecule, nephrin; minus strand). Cytogenetic location: 19q13.12.
Variant type: Duplication.
Coding change: c.889dup on transcript NM_004646.4 (MANE Select); coding-DNA position 889, one base duplicated (G; older notation c.889dupG).
Protein change: p.Val297fs; shifts the reading frame from valine 297.
Molecular consequence: frameshift variant.
Genome position (GRCh38, 1-based): chr19:35,849,099, C duplicated on the plus strand (G on the coding strand, the reverse complement: NPHS1 is on the minus strand); the first of 2 consecutive C bases (chr19:35,849,099-35,849,100); duplicating either gives the same sequence. VCF-style (leftmost placement, unchanged base first): chr19-35849098-A-AC. GRCh37 (hg19) VCF-style: chr19-36340000-A-AC.
Other names: short protein forms V297fs.
Identifiers: ClinVar variation 5005968 (VCV005005968.3).